The following is an entry in ClinVar:

NM_001267550.2(TTN):c.105211T>C (p.Ser35071Pro)

Genes: TTN-AS1 (TTN antisense RNA 1; plus strand), TTN (titin; minus strand). Cytogenetic location: 2q31.2.
Variant type: single nucleotide variant.
Coding change: c.105211T>C on transcript NM_001267550.2 (MANE Select); coding-DNA position 105211, T replaced by C.
Protein change: p.Ser35071Pro; replaces serine 35071 with proline.
Molecular consequence: missense variant.
Genome position (GRCh38, 1-based): chr2:178,531,404, A>G on the plus strand (T>C on the coding strand, the complement: TTN is on the minus strand). VCF-style: chr2-178531404-A-G. GRCh37 (hg19) VCF-style: chr2-179396131-A-G.
Other names: c.100288T>C, p.Ser33430Pro (NM_001256850.1); c.78016T>C, p.Ser26006Pro (NM_003319.4); c.97507T>C, p.Ser32503Pro (NM_133378.4); c.78391T>C, p.Ser26131Pro (NM_133432.3); c.78592T>C, p.Ser26198Pro (NM_133437.4); short protein forms S26006P, S26131P, S26198P, S32503P, S33430P, S35071P.
Identifiers: ClinVar variation 4785766 (VCV004785766.1).

ClinVar aggregate classification (germline): Uncertain significance (1 of 4 stars; one submission).

Conditions:
Autosomal recessive limb-girdle muscular dystrophy type 2J (LGMDR10). Also called: Limb-girdle muscular dystrophy, type 2J; MUSCULAR DYSTROPHY, LIMB-GIRDLE, AUTOSOMAL RECESSIVE 10. Identifiers: Orphanet 140922, MedGen C1837342, MONDO:0012127, OMIM 608807.
Dilated cardiomyopathy 1G (CMD1G). Identifiers: Orphanet 154, MedGen C1858763, MONDO:0011400, OMIM 604145.

Submission:

Labcorp Genetics (formerly Invitae), Labcorp
Classification: Uncertain significance for Dilated cardiomyopathy 1G; Autosomal recessive limb-girdle muscular dystrophy type 2J. Last evaluated: 2025-08-09. Review status: criteria provided, single submitter. Criteria: Invitae Variant Classification Sherloc (09022015). Collection method: clinical testing. Allele origin: germline.
Comment: This sequence change replaces serine, which is neutral and polar, with proline, which is neutral and non-polar, at codon 35071 of the TTN protein (p.Ser35071Pro). This variant is not present in population databases (gnomAD no frequency). This variant has not been reported in the literature in individuals affected with TTN-related conditions. Experimental studies and prediction algorithms are not available or were not evaluated, and the functional significance of this variant is currently unknown. This variant is located in the M band of TTN (PMID: 25589632). Non-truncating variants in this region may be relevant for neuromuscular disorders, but have not been definitively shown to cause cardiomyopathy (PMID: 23975875). In summary, the available evidence is currently insufficient to determine the role of this variant in disease. Therefore, it has been classified as a Variant of Uncertain Significance.

Literature cited by the submitters: PubMed 25589632; PubMed 23975875.